The following is an entry in ClinVar:

ClinVar aggregate classification (germline): Uncertain significance (1 of 4 stars; one submission).

Submission:

Labcorp Genetics (formerly Invitae), Labcorp
Classification: Uncertain significance. Last evaluated: 2025-09-15. Review status: criteria provided, single submitter. Criteria: Invitae Variant Classification Sherloc (09022015). Collection method: clinical testing. Allele origin: germline.
Comment: This sequence change replaces isoleucine, which is neutral and non-polar, with threonine, which is neutral and polar, at codon 357 of the IL12RB2 protein (p.Ile357Thr). This variant is not present in population databases (gnomAD no frequency). This variant has not been reported in the literature in individuals affected with IL12RB2-related conditions. An algorithm developed to predict the effect of missense changes on protein structure and function (PolyPhen-2) suggests that this variant is likely to be disruptive. In summary, the available evidence is currently insufficient to determine the role of this variant in disease. Therefore, it has been classified as a Variant of Uncertain Significance.

NM_001374259.2(IL12RB2):c.1070T>C (p.Ile357Thr)

Gene: IL12RB2 (interleukin 12 receptor subunit beta 2; plus strand). Cytogenetic location: 1p31.3.
Variant type: single nucleotide variant.
Coding change: c.1070T>C on transcript NM_001374259.2 (MANE Select); coding-DNA position 1070, T replaced by C.
Protein change: p.Ile357Thr; replaces isoleucine 357 with threonine.
Molecular consequence: missense variant. On other transcripts: non-coding transcript variant (2).
Genome position (GRCh38, 1-based): chr1:67,350,901, T>C. VCF-style: chr1-67350901-T-C. GRCh37 (hg19) VCF-style: chr1-67816584-T-C.
Other names: c.1070T>C, p.Ile357Thr (NM_001258214.1, NM_001258215.1, NM_001258216.1 and 2 more transcripts); short protein forms I357T.
Identifiers: ClinVar variation 4712649 (VCV004712649.1).
Genomic context (GRCh38, chr1:67,350,901, plus strand): 5'-AAATAGTGAATAAATGTGTCTTGTTGCAGAATCTGAGTGTCTCAGAGGCAAGAGGAAAAA[T>C]TCTCCACTATCAGGTGACCTTGCAGGAGCTGACAGGAGGGAAAGCCATGACACAGAACAT-3'
Protein context (NP_001361188.1, residues 347-367): NLSVSEARGK[Ile357Thr]LHYQVTLQEL